The following is an entry in ClinVar:

ClinVar aggregate classification (germline): Uncertain significance. Review status: criteria provided, multiple submitters, no conflicts (2 of 4 stars). 2 submissions from 2 submitters: Uncertain significance (2). Last evaluated 2024-04-17.

Conditions:
Coffin-Siris syndrome 5 (CSS5). Identifiers: Orphanet 1465, MedGen C4310788, MONDO:0014838, OMIM 616938.
Familial meningioma. Also called: Meningioma, familial, susceptibility to. Identifiers: Orphanet 263662, MedGen C3551915, MONDO:0011789, OMIM 607174.
Hereditary cancer-predisposing syndrome. Also called: Hereditary Cancer Syndrome; Neoplastic Syndromes, Hereditary; Tumor predisposition; Hereditary neoplastic syndrome. Identifiers: Orphanet 140162, MedGen C0027672, MeSH D009386, MONDO:0015356.

Submissions (2):

Fulgent Genetics
Classification: Uncertain significance for Familial meningioma; Coffin-Siris syndrome 5. Last evaluated: 2024-04-17. Review status: criteria provided, single submitter. Criteria: ACMG Guidelines, 2015. Collection method: clinical testing. Allele origin: germline.

Ambry Genetics
Classification: Uncertain significance for Hereditary cancer-predisposing syndrome. Last evaluated: 2021-12-29. Review status: criteria provided, single submitter. Criteria: Ambry Variant Classification Scheme 2023. Collection method: clinical testing. Allele origin: germline.
Comment: The p.D180G variant (also known as c.539A>G), located in coding exon 6 of the SMARCE1 gene, results from an A to G substitution at nucleotide position 539. The aspartic acid at codon 180 is replaced by glycine, an amino acid with similar properties. This amino acid position is highly conserved in available vertebrate species. In addition, the in silico prediction for this alteration is inconclusive. Since supporting evidence is limited at this time, the clinical significance of this alteration remains unclear.

NM_003079.5(SMARCE1):c.539A>G (p.Asp180Gly)

Gene: SMARCE1 (SWI/SNF related BAF chromatin remodeling complex subunit E1; minus strand). Cytogenetic location: 17q21.2.
Variant type: single nucleotide variant.
Coding change: c.539A>G on transcript NM_003079.5 (MANE Select); coding-DNA position 539, A replaced by G.
Protein change: p.Asp180Gly; replaces aspartic acid 180 with glycine.
Molecular consequence: missense variant.
Genome position (GRCh38, 1-based): chr17:40,635,933, T>C on the plus strand (A>G on the coding strand, the complement: SMARCE1 is on the minus strand). VCF-style: chr17-40635933-T-C. GRCh37 (hg19) VCF-style: chr17-38792185-T-C.
Other names: short protein forms D180G.
Identifiers: ClinVar variation 1747265 (VCV001747265.3), dbSNP rs2037142009, ClinGen allele CA399366185.
Genomic context (GRCh38, chr17:40,635,933, plus strand): 5'-TTCTCATATCTTAACTCACAGAGAAAGCATAAACAAAACCCCACTTTTTTTCTTTTACCA[T>C]CTGGATCTTCAGCAGGCTGAATGCTCATGTACGGTTCTCCTTTCTCCATGCGAGATTGTC-3'
Protein context (NP_003070.3, residues 170-190): YMSIQPAEDP[Asp180Gly]DYDDGFSMKH